The following is an entry in ClinVar:

ClinVar aggregate classification (germline): Uncertain significance (1 of 4 stars; one submission).

Submission:

Mayo Clinic Laboratories, Mayo Clinic
Classification: Uncertain significance. Last evaluated: 2023-10-10. Review status: criteria provided, single submitter. Criteria: ACMG Guidelines, 2015. Collection method: clinical testing. Allele origin: germline. Observed: 1 variant allele.
Comment: BP4, PM2_moderate

NM_001129820.2(SLFN14):c.993G>A (p.Met331Ile)

Gene: SLFN14 (schlafen family member 14; minus strand). Cytogenetic location: 17q12.
Variant type: single nucleotide variant.
Coding change: c.993G>A on transcript NM_001129820.2 (MANE Select); coding-DNA position 993, G replaced by A.
Protein change: p.Met331Ile; replaces methionine 331 with isoleucine.
Molecular consequence: missense variant.
Genome position (GRCh38, 1-based): chr17:35,557,070, C>T on the plus strand (G>A on the coding strand, the complement: SLFN14 is on the minus strand). VCF-style: chr17-35557070-C-T. GRCh37 (hg19) VCF-style: chr17-33884089-C-T.
Other names: p.Met331Ile; short protein forms M331I.
Identifiers: ClinVar variation 3380480 (VCV003380480.1).